The following is an entry in ClinVar:

NM_002067.5(GNA11):c.542G>A (p.Arg181Gln)

Gene: GNA11 (G protein subunit alpha 11; plus strand). Cytogenetic location: 19p13.3.
Variant type: single nucleotide variant.
Coding change: c.542G>A on transcript NM_002067.5 (MANE Select); coding-DNA position 542, G replaced by A.
Protein change: p.Arg181Gln; replaces arginine 181 with glutamine.
Molecular consequence: missense variant.
Genome position (GRCh38, 1-based): chr19:3,115,009, G>A. VCF-style: chr19-3115009-G-A. GRCh37 (hg19) VCF-style: chr19-3115007-G-A.
Other names: c.542G>A (NM_002067.4); short protein forms R181Q.
Identifiers: ClinVar variation 60663 (VCV000060663.9), dbSNP rs587777020, ClinGen allele CA144605.

ClinVar aggregate classification (germline): Uncertain significance. Review status: criteria provided, multiple submitters, no conflicts (2 of 4 stars). 4 submissions from 4 submitters: Uncertain significance (2). 2 of the submissions do not count toward it. Last evaluated 2026-04-20.

Conditions:
GNA11-related disorder. Also called: GNA11-related condition.
Autosomal dominant hypocalcemia 2. Identifiers: Orphanet 2238, Orphanet 428, MedGen C3809243, MONDO:0014146, OMIM 615361.

Submissions (4):

PreventionGenetics, part of Exact Sciences
Classification: Uncertain significance for GNA11-related condition. Last evaluated: 2026-04-20. Review status: criteria provided, single submitter. Criteria: ACMG Guidelines, 2015. Collection method: clinical testing. Allele origin: germline.
Comment: The GNA11 c.542G>A variant is predicted to result in the amino acid substitution p.Arg181Gln. This variant was reported in an individual with hypocalcemia (Nesbit et al. 2013. PubMed ID: 23802516). In vitro experimental studies indicate this variant impacts protein function (Babinsky et al. 2016. PubMed ID: 26994139). This variant has not been reported in a large population database (gnomAD), indicating this variant is rare. Although we suspect that this variant may be pathogenic, at this time, the clinical significance of this variant is uncertain due to the absence of conclusive functional and genetic evidence.

Labcorp Genetics (formerly Invitae), Labcorp
Classification: Uncertain significance. Last evaluated: 2022-07-19. Review status: criteria provided, single submitter. Criteria: Invitae Variant Classification Sherloc (09022015). Collection method: clinical testing. Allele origin: germline.
Comment: This sequence change replaces arginine, which is basic and polar, with glutamine, which is neutral and polar, at codon 181 of the GNA11 protein (p.Arg181Gln). This variant is not present in population databases (gnomAD no frequency). This missense change has been observed in individual(s) with autosomal dominant hypocalcemia, type 2 (PMID: 23802516). ClinVar contains an entry for this variant (Variation ID: 60663). Algorithms developed to predict the effect of missense changes on protein structure and function are either unavailable or do not agree on the potential impact of this missense change (SIFT: "Deleterious"; PolyPhen-2: "Probably Damaging"; Align-GVGD: "Class C0"). Experimental studies have shown that this missense change affects GNA11 function (PMID: 23802516, 26994139). In summary, the available evidence is currently insufficient to determine the role of this variant in disease. Therefore, it has been classified as a Variant of Uncertain Significance.

OMIM
Classification: Pathogenic for HYPOCALCEMIA, AUTOSOMAL DOMINANT 2. Last evaluated: 2013-06-27. Review status: no assertion criteria provided. Collection method: literature only. Allele origin: germline. Not counted in ClinVar's aggregate classification.

Genomics England Pilot Project, Genomics England
Classification: Likely pathogenic for Autosomal dominant hypocalcemia 2. Review status: no assertion criteria provided. Criteria: ACGS Guidelines, 2016. Collection method: clinical testing. Allele origin: germline. Affected: yes. Not counted in ClinVar's aggregate classification.

Literature cited by the submitters: PubMed 23802516 (cited by Labcorp Genetics (formerly Invitae), Labcorp and OMIM); PubMed 26994139 (cited by Labcorp Genetics (formerly Invitae), Labcorp).